The following is an entry in ClinVar:

ClinVar aggregate classification (germline): Uncertain significance. Review status: criteria provided, multiple submitters, no conflicts (2 of 4 stars). 3 submissions from 3 submitters: Uncertain significance (3). Last evaluated 2024-10-28.

Conditions:
Hereditary cancer-predisposing syndrome. Also called: Neoplastic Syndromes, Hereditary; Hereditary Cancer Syndrome; Hereditary neoplastic syndrome; Tumor predisposition. Identifiers: Orphanet 140162, MedGen C0027672, MeSH D009386, MONDO:0015356.
Neurofibromatosis, type 2 (SWNV). Also called: BILATERAL ACOUSTIC NEUROFIBROMATOSIS; NF2-Related Schwannomatosis; SCHWANNOMATOSIS, VESTIBULAR. Identifiers: Orphanet 637, MedGen C0027832, MONDO:0007039, OMIM 101000. Disease mechanism: loss of function.

Submissions (3):

Ambry Genetics
Classification: Uncertain significance for Hereditary cancer-predisposing syndrome. Last evaluated: 2024-10-28. Review status: criteria provided, single submitter. Criteria: Ambry Variant Classification Scheme 2023. Collection method: clinical testing. Allele origin: germline.
Comment: The p.H562R variant (also known as c.1685A>G), located in coding exon 15 of the NF2 gene, results from an A to G substitution at nucleotide position 1685. The histidine at codon 562 is replaced by arginine, an amino acid with highly similar properties. This amino acid position is highly conserved in available vertebrate species. In addition, this alteration is predicted to be deleterious by in silico analysis. Based on the available evidence, the clinical significance of this variant remains unclear.

All of Us Research Program, National Institutes of Health
Classification: Uncertain significance for Neurofibromatosis, type 2. Last evaluated: 2024-05-30. Review status: criteria provided, single submitter. Criteria: ACMG Guidelines, 2015. Collection method: clinical testing. Allele origin: germline. Inheritance: Autosomal dominant inheritance. Observed: 1 variant allele, 1 heterozygote.
Comment: This missense variant replaces histidine with arginine at codon 562 of the NF2 protein. Computational prediction suggests that this variant may have deleterious impact on protein structure and function (internally defined REVEL score threshold >= 0.7, PMID: 27666373). To our knowledge, functional studies have not been reported for this variant. This variant has not been reported in individuals affected with NF2-related disorders in the literature. This variant has not been identified in the general population by the Genome Aggregation Database (gnomAD). The available evidence is insufficient to determine the role of this variant in disease conclusively. Therefore, this variant is classified as a Variant of Uncertain Significance.

This study involves interpretation of variants in research participants for the purpose of population health screening. Participant phenotype was not available at the time of variant classification. Additional details can be found in publication PMID: 35346344, PMCID: PMC8962531

Labcorp Genetics (formerly Invitae), Labcorp
Classification: Uncertain significance for Neurofibromatosis, type 2. Last evaluated: 2021-08-19. Review status: criteria provided, single submitter. Criteria: Invitae Variant Classification Sherloc (09022015). Collection method: clinical testing. Allele origin: germline.
Comment: This variant is not present in population databases (ExAC no frequency). This sequence change replaces histidine with arginine at codon 562 of the NF2 protein (p.His562Arg). The histidine residue is moderately conserved and there is a small physicochemical difference between histidine and arginine. This variant has not been reported in the literature in individuals with NF2-related conditions. Algorithms developed to predict the effect of missense changes on protein structure and function are either unavailable or do not agree on the potential impact of this missense change (SIFT: "Tolerated"; PolyPhen-2: "Possibly Damaging"; Align-GVGD: "Class C0"). In summary, the available evidence is currently insufficient to determine the role of this variant in disease. Therefore, it has been classified as a Variant of Uncertain Significance.

NM_000268.4(NF2):c.1685A>G (p.His562Arg)

Gene: NF2 (NF2, moesin-ezrin-radixin like (MERLIN) tumor suppressor; plus strand). Cytogenetic location: 22q12.2.
Variant type: single nucleotide variant.
Coding change: c.1685A>G on transcript NM_000268.4 (MANE Select); coding-DNA position 1685, A replaced by G.
Protein change: p.His562Arg; replaces histidine 562 with arginine.
Molecular consequence: missense variant. On other transcripts: non-coding transcript variant (1), intron variant (1).
Genome position (GRCh38, 1-based): chr22:29,681,549, A>G. VCF-style: chr22-29681549-A-G. GRCh37 (hg19) VCF-style: chr22-30077538-A-G.
Other names: c.1685A>G (NM_000268.3); c.1685A>G, p.His562Arg (NM_016418.5, NM_181825.3, NM_181832.3); c.1559A>G, p.His520Arg (NM_181828.3); c.1562A>G, p.His521Arg (NM_181829.3); c.1436A>G, p.His479Arg (NM_181830.3, NM_181831.3); c.448-13203A>G (NM_181833.3); short protein forms H479R, H520R, H521R, H562R.
Identifiers: ClinVar variation 1059809 (VCV001059809.11), dbSNP rs878853926, ClinGen allele CA411150339.
Genomic context (GRCh38, chr22:29,681,549, plus strand): 5'-TCAAGACAGAAATCGAGGCCTTGAAACTGAAAGAGAGGGAGACAGCTCTGGATATTCTGC[A>G]CAATGAGAACTCCGACAGGGGTGGCAGCAGCAAGCACAATACCATTAAAAAGGTACCCAG-3'
Protein context (NP_000259.1, residues 552-572): KERETALDIL[His562Arg]NENSDRGGSS